The following is an entry in ClinVar:

ClinVar aggregate classification (germline): Uncertain significance (1 of 4 stars; one submission).

Submission:

Labcorp Genetics (formerly Invitae), Labcorp
Classification: Uncertain significance. Last evaluated: 2025-09-01. Review status: criteria provided, single submitter. Criteria: Invitae Variant Classification Sherloc (09022015). Collection method: clinical testing. Allele origin: germline.
Comment: This sequence change replaces valine, which is neutral and non-polar, with methionine, which is neutral and non-polar, at codon 2565 of the CDH23 protein (p.Val2565Met). This variant is not present in population databases (gnomAD no frequency). This variant has not been reported in the literature in individuals affected with CDH23-related conditions. Invitae Evidence Modeling of protein sequence and biophysical properties (such as structural, functional, and spatial information, amino acid conservation, physicochemical variation, residue mobility, and thermodynamic stability) has been performed for this missense variant. However, the output from this modeling did not meet the statistical confidence thresholds required to predict the impact of this variant on CDH23 protein function. In summary, the available evidence is currently insufficient to determine the role of this variant in disease. Therefore, it has been classified as a Variant of Uncertain Significance.

NM_022124.6(CDH23):c.7693G>A (p.Val2565Met)

Gene: CDH23 (cadherin related 23; plus strand). Cytogenetic location: 10q22.1.
Variant type: single nucleotide variant.
Coding change: c.7693G>A on transcript NM_022124.6 (MANE Select); coding-DNA position 7693, G replaced by A.
Protein change: p.Val2565Met; replaces valine 2565 with methionine.
Molecular consequence: missense variant.
Genome position (GRCh38, 1-based): chr10:71,803,241, G>A. VCF-style: chr10-71803241-G-A. GRCh37 (hg19) VCF-style: chr10-73562998-G-A.
Other names: c.973G>A, p.Val325Met (NM_001171933.1, NM_001171934.1); short protein forms V325M, V2565M.
Identifiers: ClinVar variation 4767555 (VCV004767555.1).